The following continues an entry in ClinVar:

NM_206933.4(USH2A):c.7595-2144A>G

Gene: USH2A. ClinVar aggregate classification (germline): Pathogenic/Likely pathogenic. Pathogenic (18); Likely pathogenic (4).

Submissions 14 to 30 of 30:

Revvity Omics, Revvity
Classification: Pathogenic. Last evaluated: 2021-05-14. Review status: criteria provided, single submitter. Criteria: ACMG Guidelines, 2015. Collection method: clinical testing. Allele origin: germline.

Ocular Genomics Institute, Massachusetts Eye and Ear
Classification: Likely pathogenic for Retinitis pigmentosa 39. Last evaluated: 2021-04-08. Review status: criteria provided, single submitter. Criteria: ACMG Guidelines, 2015. Collection method: research. Allele origin: germline. Affected: yes.
Comment: Through a review of available evidence we were able to apply the following criteria: PM2, PM3, PP1, PP3. Based on this evidence we have classified this variant as Likely Pathogenic.

Institute of Human Genetics, Univ. Regensburg, Univ. Regensburg
Classification: Pathogenic for Retinal dystrophy. Last evaluated: 2021-01-01. Review status: criteria provided, single submitter. Criteria: ACMG Guidelines, 2015. Collection method: clinical testing. Allele origin: germline. Affected: yes.

Women's Health and Genetics/Laboratory Corporation of America, LabCorp
Classification: Pathogenic for Usher syndrome. Last evaluated: 2020-10-30. Review status: criteria provided, single submitter. Criteria: LabCorp Variant Classification Summary - May 2015. Collection method: clinical testing. Allele origin: germline.
Comment: Variant summary: USH2A c.7595-2144A>G is reported in the literature to induce activation of a pseudoexon, predicted to result in a frameshift of the protein (e.g. Vache_2011). Several computational tools predict a significant impact on normal splicing: Four predict that the variant creates a new 5' donor site. The variant allele was found at a frequency of 6.4e-05 in 31406 control chromosomes. c.7595-2144A>G has been reported in the literature in multiple individuals affected with Usher Syndrome, including evidence for cosegregation with disease in several families (e.g. Vache_2011, Steele-Stallard_2013). These data indicate that the variant is very likely to be associated with disease. At least one publication reports experimental evidence that this variant activates a pseudoexon, resulting in aberrant splicing (e.g. Vache_2011). Seven clinical diagnostic laboratories have submitted clinical-significance assessments for this variant to ClinVar after 2014 without evidence for independent evaluation. All laboratories cited the variant as pathogenic/likely pathogenic. Based on the evidence outlined above, the variant was classified as pathogenic.

Institute of Medical Genetics and Applied Genomics, University Hospital Tübingen
Classification: Pathogenic. Last evaluated: 2020-10-23. Review status: criteria provided, single submitter. Criteria: ACMG Guidelines, 2015. Collection method: clinical testing. Allele origin: germline. Inheritance: Autosomal recessive inheritance. Affected: yes.

CeGaT Center for Human Genetics Tuebingen
Classification: Pathogenic. Last evaluated: 2019-05-01. Review status: criteria provided, single submitter. Criteria: CeGaT Center For Human Genetics Tuebingen Variant Classification Criteria Version 2. Collection method: clinical testing. Allele origin: germline. Affected: yes. Observed: 5 variant alleles.

Laboratory for Molecular Medicine, Mass General Brigham Personalized Medicine
Classification: Pathogenic for Rare genetic deafness. Last evaluated: 2017-11-07. Review status: criteria provided, single submitter. Criteria: ACMG Guidelines, 2015. Collection method: clinical testing. Allele origin: germline. Inheritance: Autosomal recessive inheritance.
Comment: 7595-2144A>G variant in USH2A has been reported in 9 individuals with USH2A in compound heterozygous state with another pathogenic USH2A allele, of which 6 were confirmed to occur in trans, segregated in 6 affected relatives and absent from 518 control chromosomes (Vache 2012). RNA samples from these patients showed abnormal splicing predicted to lead to an abnormal or absent protein. In summary, this variant meets our criteria to be classified as pathogenic based upon segregation studies, low frequency in the general population, and observed deleterious impact on splicing.

Genomics England Pilot Project, Genomics England
Classification: Likely pathogenic for Usher syndrome type 2A. Review status: criteria provided, single submitter. Criteria: ACGS Guidelines, 2016. Collection method: clinical testing. Allele origin: germline. Affected: yes.

Kariminejad - Najmabadi Pathology & Genetics Center
Classification: Pathogenic for Usher syndrome type 2A. Review status: criteria provided, single submitter. Criteria: ACMG Guidelines, 2015. Collection method: clinical testing. Allele origin: germline. Affected: no.

Sharon lab, Hadassah-Hebrew University Medical Center
Classification: Pathogenic for Usher syndrome type 2. Last evaluated: 2019-06-23. Review status: no assertion criteria provided. Collection method: research. Allele origin: inherited. Affected: yes. Not counted in ClinVar's aggregate classification.

Department of Clinical Genetics, Copenhagen University Hospital, Rigshospitalet
Classification: Pathogenic for Usher syndrome. Last evaluated: 2018-04-01. Review status: no assertion criteria provided. Collection method: research. Allele origin: unknown. Affected: yes. Study: VeluxRD. Not counted in ClinVar's aggregate classification.

Department of Clinical Genetics, Copenhagen University Hospital, Rigshospitalet
Classification: Pathogenic for Retinitis pigmentosa. Last evaluated: 2018-04-01. Review status: no assertion criteria provided. Collection method: research. Allele origin: unknown. Affected: yes. Study: VeluxRD. Not counted in ClinVar's aggregate classification.

Counsyl
Classification: Pathogenic for Usher syndrome type 2A; Retinitis pigmentosa 39. Last evaluated: 2017-04-28. Review status: no assertion criteria provided. Collection method: clinical testing. Allele origin: unknown. Not counted in ClinVar's aggregate classification.

NIHR Bioresource Rare Diseases, University of Cambridge
Classification: Likely pathogenic for Usher syndrome. Last evaluated: 2015-01-01. Review status: no assertion criteria provided. Collection method: research. Allele origin: unknown. Affected: yes. Observed: 1 variant allele. Not counted in ClinVar's aggregate classification.

OMIM
Classification: Pathogenic for USHER SYNDROME, TYPE IIA. Last evaluated: 2012-01-01. Review status: no assertion criteria provided. Collection method: literature only. Allele origin: germline. Not counted in ClinVar's aggregate classification.

Clinical Genetics DNA and cytogenetics Diagnostics Lab, Erasmus MC, Erasmus Medical Center
Classification: Pathogenic. Review status: no assertion criteria provided. Collection method: clinical testing. Allele origin: germline. Affected: yes. Study: VKGL Data-share Consensus. Not counted in ClinVar's aggregate classification.

Clinical Genetics, Academic Medical Center
Classification: Pathogenic. Review status: no assertion criteria provided. Collection method: clinical testing. Allele origin: germline. Affected: yes. Study: VKGL Data-share Consensus. Not counted in ClinVar's aggregate classification.

Literature cited by the submitters: PubMed 22009552 (cited by 12 submitters); PubMed 23924366 (cited by 6 submitters); PubMed 25404053 (cited by 3 submitters); PubMed 26629787 (cited by 3 submitters); PubMed 38219857 (cited by Genetics Research Center, University of Social Welfare and Rehabilitation Sciences); PubMed 28944237 (cited by Natera, Inc.); PubMed 20507924 (cited by Variantyx, Inc.); PubMed 27460420 (cited by Ocular Genomics Institute, Massachusetts Eye and Ear and Counsyl); PubMed 25558175 (cited by Ocular Genomics Institute, Massachusetts Eye and Ear and Counsyl); PubMed 29490346 (cited by Ocular Genomics Institute, Massachusetts Eye and Ear and Institute of Human Genetics, Univ. Regensburg, Univ. Regensburg); PubMed 32326409 (cited by Institute of Human Genetics, Univ. Regensburg, Univ. Regensburg); PubMed 31429209 (cited by Institute of Human Genetics, Univ. Regensburg, Univ. Regensburg); PubMed 31980526 (cited by Institute of Human Genetics, Univ. Regensburg, Univ. Regensburg); PubMed 31456290 (cited by Institute of Human Genetics, Univ. Regensburg, Univ. Regensburg); PubMed 32581362 (cited by Institute of Human Genetics, Univ. Regensburg, Univ. Regensburg); PubMed 32531858 (cited by Institute of Human Genetics, Univ. Regensburg, Univ. Regensburg); PubMed 32037395 (cited by Institute of Human Genetics, Univ. Regensburg, Univ. Regensburg); PubMed 34148116 (cited by Institute of Human Genetics, Univ. Regensburg, Univ. Regensburg); PubMed 33576794 (cited by Institute of Human Genetics, Univ. Regensburg, Univ. Regensburg); PubMed 34948090 (cited by Institute of Human Genetics, Univ. Regensburg, Univ. Regensburg); PubMed 34758253 (cited by Institute of Human Genetics, Univ. Regensburg, Univ. Regensburg); PubMed 34781295 (cited by Institute of Human Genetics, Univ. Regensburg, Univ. Regensburg); PubMed 35266249 (cited by Institute of Human Genetics, Univ. Regensburg, Univ. Regensburg); PubMed 36460718 (cited by Institute of Human Genetics, Univ. Regensburg, Univ. Regensburg); PubMed 36819107 (cited by Institute of Human Genetics, Univ. Regensburg, Univ. Regensburg); PubMed 36785559 (cited by Institute of Human Genetics, Univ. Regensburg, Univ. Regensburg); PubMed 30718709 (cited by Department of Clinical Genetics, Copenhagen University Hospital, Rigshospitalet); PubMed 28041643 (cited by NIHR Bioresource Rare Diseases, University of Cambridge).